The following is an entry in ClinVar:

NM_199420.4(POLQ):c.6386G>C (p.Ser2129Thr)

Gene: POLQ (DNA polymerase theta; minus strand). Cytogenetic location: 3q13.33.
Variant type: single nucleotide variant.
Coding change: c.6386G>C on transcript NM_199420.4 (MANE Select); coding-DNA position 6386, G replaced by C.
Protein change: p.Ser2129Thr; replaces serine 2129 with threonine.
Molecular consequence: missense variant.
Genome position (GRCh38, 1-based): chr3:121,476,559, C>G on the plus strand (G>C on the coding strand, the complement: POLQ is on the minus strand). VCF-style: chr3-121476559-C-G. GRCh37 (hg19) VCF-style: chr3-121195406-C-G.
Other names: short protein forms S2129T.
Identifiers: ClinVar variation 1753191 (VCV001753191.2), dbSNP rs2546777076, ClinGen allele CA354086808.
Genomic context (GRCh38, chr3:121,476,559, plus strand): 5'-CTAAAAATTATGTATCTATATCCCTAGCCCCATGATACAACCTCAGCGATGTCATCTGAA[C>G]TGGTGAAAGAAAAACTGTGGCCAGCTAGTTGATAGGCCTGGGTCTCAATTGCATCCAGCT-3'
Protein context (NP_955452.3, residues 2119-2139): QLAGHSFSFT[Ser2129Thr]SDDIAEVLFL

ClinVar aggregate classification (germline): Uncertain significance (1 of 4 stars; one submission).

Submission:

Ambry Genetics
Classification: Uncertain significance. Last evaluated: 2022-05-19. Review status: criteria provided, single submitter. Criteria: Ambry Variant Classification Scheme 2023. Collection method: clinical testing. Allele origin: germline.
Comment: The p.S2129T variant (also known as c.6386G>C), located in coding exon 20 of the POLQ gene, results from a G to C substitution at nucleotide position 6386. The serine at codon 2129 is replaced by threonine, an amino acid with similar properties. This amino acid position is conserved. In addition, the in silico prediction for this alteration is inconclusive. Since supporting evidence is limited at this time, the clinical significance of this alteration remains unclear.